The following is an entry in ClinVar:

ClinVar aggregate classification (germline): Benign/Likely benign. Review status: criteria provided, multiple submitters, no conflicts (2 of 4 stars). 17 submissions from 17 submitters: Benign (3); Likely benign (11). 3 of the submissions do not count toward it. Last evaluated 2026-03-27.

Conditions:
Connective tissue disorder. Also called: Connective tissue disease. Identifiers: MedGen C0009782, MONDO:0003900.
Familial thoracic aortic aneurysm and aortic dissection (TAAD). Also called: Thoracic aortic aneurysms and dissections. Identifiers: Orphanet 91387, MedGen C4707243, MONDO:0019625.
Ehlers-Danlos syndrome, type 4 (EDSVASC). Also called: Ehlers-Danlos syndrome vascular type; Ehlers Danlos syndrome, ecchymotic type; Ehlers Danlos syndrome, arterial type; Ehlers Danlos syndrome, Sack-Barabas type; Ehlers-Danlos Syndrome Type IV. Identifiers: Orphanet 286, MedGen C0268338, MONDO:0017314, OMIM 130050.

Allele frequency attached by ClinVar (database versions not stated): 1000 Genomes Project 30x 0.00016; 1000 Genomes Project 0.00020; ExAC 0.00029; gnomAD exomes 0.00033 and 0.00063; gnomAD 0.00053 and 0.00054; TOPMed 0.00056; ESP Exome Variant Server 0.00062.
gnomAD v4.1: 982 of 1,613,064 alleles (0.061%); highest among the groups gnomAD compares: Non-Finnish European, 0.077%; 1 homozygote.

Submissions (17):

Molecular Diagnostic Laboratory for Inherited Cardiovascular Disease, Montreal Heart Institute
Classification: Likely benign. Last evaluated: 2026-03-27. Review status: criteria provided, single submitter. Criteria: ACMG Guidelines, 2015. Collection method: clinical testing. Allele origin: germline. Affected: no.

Labcorp Genetics (formerly Invitae), Labcorp
Classification: Likely benign for Ehlers-Danlos syndrome, type 4. Last evaluated: 2026-01-17. Review status: criteria provided, single submitter. Criteria: Invitae Variant Classification Sherloc (09022015). Collection method: clinical testing. Allele origin: germline.

ARUP Laboratories, Molecular Genetics and Genomics, ARUP Laboratories
Classification: Likely benign. Last evaluated: 2025-07-18. Review status: criteria provided, single submitter. Criteria: ARUP Molecular Germline Variant Investigation Process 2024. Collection method: clinical testing. Allele origin: germline.

Mayo Clinic Laboratories, Mayo Clinic
Classification: Likely benign. Last evaluated: 2025-06-25. Review status: criteria provided, single submitter. Criteria: ACMG Guidelines, 2015. Collection method: clinical testing. Allele origin: germline. Observed: 5 variant alleles.
Comment: BS1, BP4, BP7

CeGaT Center for Human Genetics Tuebingen
Classification: Likely benign. Last evaluated: 2025-05-01. Review status: criteria provided, single submitter. Criteria: CeGaT Center For Human Genetics Tuebingen Variant Classification Criteria Version 2. Collection method: clinical testing. Allele origin: germline. Affected: yes. Observed: 7 variant alleles.
Comment: COL3A1: BP4, BP7

Blueprint Genetics
Classification: Likely benign. Last evaluated: 2024-11-20. Review status: criteria provided, single submitter. Criteria: ACMG Guidelines, 2015. Collection method: clinical testing. Allele origin: germline.

CHEO Genetics Diagnostic Laboratory, Children's Hospital of Eastern Ontario
Classification: Likely benign for Familial thoracic aortic aneurysm and aortic dissection. Last evaluated: 2022-03-01. Review status: criteria provided, single submitter. Criteria: ACMG Guidelines, 2015. Collection method: clinical testing. Allele origin: germline.

Women's Health and Genetics/Laboratory Corporation of America, LabCorp
Classification: Benign. Last evaluated: 2020-06-29. Review status: criteria provided, single submitter. Criteria: LabCorp Variant Classification Summary - May 2015. Collection method: clinical testing. Allele origin: germline.

Color Diagnostics, LLC DBA Color Health
Classification: Likely benign for Familial thoracic aortic aneurysm and aortic dissection. Last evaluated: 2018-05-11. Review status: criteria provided, single submitter. Criteria: ACMG Guidelines, 2015. Collection method: clinical testing. Allele origin: germline.

Illumina Laboratory Services, Illumina
Classification: Benign for Ehlers-Danlos syndrome, type 4. Last evaluated: 2018-01-12. Review status: criteria provided, single submitter. Criteria: ICSL Variant Classification Criteria 13 December 2019. Collection method: clinical testing. Allele origin: germline.
Comment: This variant was observed in the ICSL laboratory as part of a predisposition screen in an ostensibly healthy population. It had not been previously curated by ICSL or reported in the Human Gene Mutation Database (HGMD: prior to June 1st, 2018), and was therefore a candidate for classification through an automated scoring system. Utilizing variant allele frequency, disease prevalence and penetrance estimates, and inheritance mode, an automated score was calculated to assess if this variant is too frequent to cause the disease. Based on the score and internal cut-off values, a variant classified as benign is not then subjected to further curation. The score for this variant resulted in a classification of benign for this disease.

Ambry Genetics
Classification: Likely benign for Familial thoracic aortic aneurysm and aortic dissection. Last evaluated: 2017-07-11. Review status: criteria provided, single submitter. Criteria: Ambry Variant Classification Scheme 2023. Collection method: clinical testing. Allele origin: germline.

Center for Human Genetics, Inc
Classification: Likely benign for Connective tissue disorder. Last evaluated: 2016-11-01. Review status: criteria provided, single submitter. Criteria: ACMG Guidelines, 2015. Collection method: clinical testing. Allele origin: germline. Affected: yes.

GeneDx
Classification: Benign. Last evaluated: 2014-11-05. Review status: criteria provided, single submitter. Criteria: GeneDx Variant Classification (06012015). Collection method: clinical testing. Allele origin: germline. Affected: yes.
Comment: This variant is considered likely benign or benign based on one or more of the following criteria: it is a conservative change, it occurs at a poorly conserved position in the protein, it is predicted to be benign by multiple in silico algorithms, and/or has population frequency not consistent with disease.

PreventionGenetics, part of Exact Sciences
Classification: Likely benign. Review status: criteria provided, single submitter. Criteria: ACMG Guidelines, 2015. Collection method: clinical testing. Allele origin: germline.

Clinical Genetics DNA and cytogenetics Diagnostics Lab, Erasmus MC, Erasmus Medical Center
Classification: Likely benign. Review status: no assertion criteria provided. Collection method: clinical testing. Allele origin: germline. Affected: yes. Study: VKGL Data-share Consensus. Not counted in ClinVar's aggregate classification.

Genome Diagnostics Laboratory, Amsterdam University Medical Center
Classification: Likely benign. Review status: no assertion criteria provided. Collection method: clinical testing. Allele origin: germline. Affected: yes. Study: VKGL Data-share Consensus. Not counted in ClinVar's aggregate classification.

Genome Diagnostics Laboratory, University Medical Center Utrecht
Classification: Likely benign. Review status: no assertion criteria provided. Collection method: clinical testing. Allele origin: germline. Affected: yes. Study: VKGL Data-share Consensus. Not counted in ClinVar's aggregate classification.

NM_000090.4(COL3A1):c.114C>G (p.Ser38=)

Gene: COL3A1 (collagen type III alpha 1 chain; plus strand). Cytogenetic location: 2q32.2.
Variant type: single nucleotide variant.
Coding change: c.114C>G on transcript NM_000090.4 (MANE Select); coding-DNA position 114, C replaced by G.
Protein change: p.Ser38=; no amino-acid change (serine 38 retained).
Molecular consequence: synonymous variant.
Genome position (GRCh38, 1-based): chr2:188,984,794, C>G. VCF-style: chr2-188984794-C-G. GRCh37 (hg19) VCF-style: chr2-189849520-C-G.
Other names: p.S38S:TCC>TCG; p.Ser38=.
Identifiers: ClinVar variation 199689 (VCV000199689.67), dbSNP rs141241764, ClinGen allele CA004093.